The following is an entry in ClinVar:

ClinVar aggregate classification (germline): Uncertain significance. Review status: criteria provided, multiple submitters, no conflicts (2 of 4 stars). 2 submissions from 2 submitters: Uncertain significance (2). Last evaluated 2025-09-27.

Conditions:
Inborn genetic diseases. Identifiers: MedGen C0950123, MeSH D030342.

Allele frequency attached by ClinVar (database versions not stated): gnomAD 0.00009 and 0.00007; gnomAD exomes 0.00006 and 0.00005; TOPMed 0.00002; ExAC 0.00008; ESP Exome Variant Server 0.00008.
gnomAD v4.1: 96 of 1,613,282 alleles (0.006%); highest among the groups gnomAD compares: Non-Finnish European, 0.0064%; no homozygotes.

Submissions (2):

Ambry Genetics
Classification: Uncertain significance for Inborn genetic diseases. Last evaluated: 2025-09-27. Review status: criteria provided, single submitter. Criteria: Ambry Variant Classification Scheme 2023. Collection method: clinical testing. Allele origin: germline.

Labcorp Genetics (formerly Invitae), Labcorp
Classification: Uncertain significance. Last evaluated: 2022-07-12. Review status: criteria provided, single submitter. Criteria: Invitae Variant Classification Sherloc (09022015). Collection method: clinical testing. Allele origin: germline.
Comment: This sequence change replaces cysteine, which is neutral and slightly polar, with tyrosine, which is neutral and polar, at codon 122 of the GNPAT protein (p.Cys122Tyr). This variant is present in population databases (rs374742858, gnomAD 0.02%). This variant has not been reported in the literature in individuals affected with GNPAT-related conditions. ClinVar contains an entry for this variant (Variation ID: 1428854). Algorithms developed to predict the effect of missense changes on protein structure and function (SIFT, PolyPhen-2, Align-GVGD) all suggest that this variant is likely to be tolerated. In summary, the available evidence is currently insufficient to determine the role of this variant in disease. Therefore, it has been classified as a Variant of Uncertain Significance.

NM_014236.4(GNPAT):c.365G>A (p.Cys122Tyr)

Gene: GNPAT (glyceronephosphate O-acyltransferase; plus strand). Cytogenetic location: 1q42.2.
Variant type: single nucleotide variant.
Coding change: c.365G>A on transcript NM_014236.4 (MANE Select); coding-DNA position 365, G replaced by A.
Protein change: p.Cys122Tyr; replaces cysteine 122 with tyrosine.
Molecular consequence: missense variant.
Genome position (GRCh38, 1-based): chr1:231,260,610, G>A. VCF-style: chr1-231260610-G-A. GRCh37 (hg19) VCF-style: chr1-231396356-G-A.
Other names: c.182G>A, p.Cys61Tyr (NM_001316350.2); c.365G>A (NM_014236.3); short protein forms C61Y, C122Y.
Identifiers: ClinVar variation 1428854 (VCV001428854.4), dbSNP rs374742858, ClinGen allele CA1451778.